The following is an entry in ClinVar:

NM_018100.4(EFHC1):c.915A>G (p.Ala305=)

Gene: EFHC1 (EF-hand domain containing 1; plus strand). Cytogenetic location: 6p12.2.
Variant type: single nucleotide variant.
Coding change: c.915A>G on transcript NM_018100.4 (MANE Select); coding-DNA position 915, A replaced by G.
Protein change: p.Ala305=; no amino-acid change (alanine 305 retained).
Molecular consequence: synonymous variant. On other transcripts: non-coding transcript variant (1).
Genome position (GRCh38, 1-based): chr6:52,454,286, A>G. VCF-style: chr6-52454286-A-G. GRCh37 (hg19) VCF-style: chr6-52319084-A-G.
Other names: c.858A>G, p.Ala286= (NM_001172420.2).
Identifiers: ClinVar variation 411572 (VCV000411572.9), dbSNP rs1060503381, ClinGen allele CA16612182.

ClinVar aggregate classification (germline): Uncertain significance (1 of 4 stars; one submission).

Conditions:
Myoclonic epilepsy, juvenile, susceptibility to, 1. Also called: Myoclonic Epilepsy, Juvenile, 1; EJM1. Identifiers: MedGen C1850778, MONDO:0020752, OMIM 254770.
Absence seizure. Also called: Absence epilepsy. Identifiers: Orphanet 1941, MedGen C0014553.

Allele frequency attached by ClinVar (database versions not stated): gnomAD 0.00001.
gnomAD v4.1: 1 of 1,613,958 alleles (0.000062%); highest among the groups gnomAD compares: East Asian, 0.0022%; no homozygotes.

Submission:

Labcorp Genetics (formerly Invitae), Labcorp
Classification: Uncertain significance for Myoclonic epilepsy, juvenile, susceptibility to, 1; Absence seizure. Last evaluated: 2022-10-01. Review status: criteria provided, single submitter. Criteria: Invitae Variant Classification Sherloc (09022015). Collection method: clinical testing. Allele origin: germline.
Comment: In summary, the available evidence is currently insufficient to determine the role of this variant in disease. Therefore, it has been classified as a Variant of Uncertain Significance. Algorithms developed to predict the effect of sequence changes on RNA splicing suggest that this variant is not likely to affect RNA splicing. ClinVar contains an entry for this variant (Variation ID: 411572). This variant has not been reported in the literature in individuals affected with EFHC1-related conditions. This variant is present in population databases (no rsID available, gnomAD 0.06%). This sequence change affects codon 305 of the EFHC1 mRNA. It is a 'silent' change, meaning that it does not change the encoded amino acid sequence of the EFHC1 protein. It affects a nucleotide within the consensus splice site.